The following is an entry in ClinVar:

ClinVar aggregate classification (germline): Uncertain significance (1 of 4 stars; one submission).

Conditions:
Fanconi anemia (FA). Also called: Fanconi's anemia. Identifiers: Orphanet 84, MedGen C0015625, MeSH D005199, MONDO:0019391.

Allele frequency attached by ClinVar (database versions not stated): TOPMed 0.00001.

Submission:

Labcorp Genetics (formerly Invitae), Labcorp
Classification: Uncertain significance for Fanconi anemia. Last evaluated: 2023-06-10. Review status: criteria provided, single submitter. Criteria: Invitae Variant Classification Sherloc (09022015). Collection method: clinical testing. Allele origin: germline.
Comment: This variant is not present in population databases (gnomAD no frequency). This variant has not been reported in the literature in individuals affected with SLX4-related conditions. An algorithm developed to predict the effect of missense changes on protein structure and function (PolyPhen-2) suggests that this variant is likely to be disruptive. In summary, the available evidence is currently insufficient to determine the role of this variant in disease. Therefore, it has been classified as a Variant of Uncertain Significance. This sequence change replaces proline, which is neutral and non-polar, with alanine, which is neutral and non-polar, at codon 1379 of the SLX4 protein (p.Pro1379Ala).

NM_032444.4(SLX4):c.4135C>G (p.Pro1379Ala)

Gene: SLX4 (SLX4 structure-specific endonuclease subunit; minus strand). Cytogenetic location: 16p13.3.
Variant type: single nucleotide variant.
Coding change: c.4135C>G on transcript NM_032444.4 (MANE Select); coding-DNA position 4135, C replaced by G.
Protein change: p.Pro1379Ala; replaces proline 1379 with alanine.
Molecular consequence: missense variant.
Genome position (GRCh38, 1-based): chr16:3,589,503, G>C on the plus strand (C>G on the coding strand, the complement: SLX4 is on the minus strand). VCF-style: chr16-3589503-G-C. GRCh37 (hg19) VCF-style: chr16-3639504-G-C.
Other names: short protein forms P1379A.
Identifiers: ClinVar variation 2897399 (VCV002897399.3), dbSNP rs2040551080, ClinGen allele CA394518353.
Genomic context (GRCh38, chr16:3,589,503, plus strand): 5'-CACTGTCTCCGACTTCCACCACTTCACCCGCTGGGGTCTGGTTCAGGAAGCTTGGCCCAG[G>C]CGGCGAGTGTTTCAGGAACCGCCTGCTGAAGTGGGCGCGGTCCCCTGAGATGGGATGTGG-3'
Protein context (NP_115820.2, residues 1369-1389): FSRRFLKHSP[Pro1379Ala]GPSFLNQTPA